The following is an entry in ClinVar:

ClinVar aggregate classification (germline): Pathogenic (1 of 4 stars; one submission).

Conditions:
Peutz-Jeghers syndrome (PJS). Also called: POLYPOSIS, HAMARTOMATOUS INTESTINAL; POLYPS-AND-SPOTS SYNDROME; Peutz-Jeghers polyposis; Periorificial lentiginosis syndrome. Identifiers: Orphanet 2869, MedGen C0031269, MeSH D010580, MONDO:0008280, OMIM 175200.

Submission:

Labcorp Genetics (formerly Invitae), Labcorp
Classification: Pathogenic for Peutz-Jeghers syndrome. Last evaluated: 2019-06-07. Review status: criteria provided, single submitter. Criteria: Invitae Variant Classification Sherloc (09022015). Collection method: clinical testing. Allele origin: germline.
Comment: This sequence change is a complex rearrangement that deletes exon 1 of the STK11 gene and replaces it with an inverted partial duplication of exon 1. This is expected to result in an absent or disrupted protein product. This variant has not been reported in the literature in individuals with STK11-related conditions. Loss-of-function variants in STK11 are known to be pathogenic (PMID: 15188174, 16287113). For these reasons, this variant has been classified as Pathogenic.

Literature cited by the submitters: PubMed 15188174; PubMed 16287113.

NC_000019.9:g.(?_1206903)_(1207212_?)del

Gene: STK11 (serine/threonine kinase 11; plus strand). Cytogenetic location: 19p13.3.
Variant type: Deletion.
Identifiers: ClinVar variation 1073838 (VCV001073838.5).